The following is an entry in ClinVar:

NM_001127178.3(PIGG):c.1936C>T (p.Leu646Phe)

Gene: PIGG (phosphatidylinositol glycan anchor biosynthesis class G (EMM blood group); plus strand). Cytogenetic location: 4p16.3.
Variant type: single nucleotide variant.
Coding change: c.1936C>T on transcript NM_001127178.3 (MANE Select); coding-DNA position 1936, C replaced by T.
Protein change: p.Leu646Phe; replaces leucine 646 with phenylalanine.
Molecular consequence: missense variant. On other transcripts: non-coding transcript variant (6).
Genome position (GRCh38, 1-based): chr4:523,780, C>T. VCF-style: chr4-523780-C-T. GRCh37 (hg19) VCF-style: chr4-517569-C-T.
Other names: c.1669C>T, p.Leu557Phe (NM_001289051.2, NM_001345986.2); c.1537C>T, p.Leu513Phe (NM_001289052.2); c.1645C>T, p.Leu549Phe (NM_001345987.2); c.907C>T, p.Leu303Phe (NM_001345988.2); c.403C>T, p.Leu135Phe (NM_001345990.2, NM_001345991.2); c.838C>T, p.Leu280Phe (NM_001345994.2); c.1912C>T, p.Leu638Phe (NM_017733.5); short protein forms L135F, L280F, L303F, L513F, L549F, L557F, L638F, L646F.
Identifiers: ClinVar variation 1000178 (VCV001000178.10), dbSNP rs1726759465, ClinGen allele CA355907667.

ClinVar aggregate classification (germline): Uncertain significance (1 of 4 stars; one submission).

Conditions:
Intellectual disability, autosomal recessive 53 (NEDHSCA). Also called: GLYCOSYLPHOSPHATIDYLINOSITOL BIOSYNTHESIS DEFECT 13; Mental retardation, autosomal recessive 53; NEURODEVELOPMENTAL DISORDER WITH OR WITHOUT HYPOTONIA, SEIZURES, AND CEREBELLAR ATROPHY. Identifiers: Orphanet 488635, MedGen C4310794, MONDO:0014832, OMIM 616917.

Submission:

Labcorp Genetics (formerly Invitae), Labcorp
Classification: Uncertain significance for Intellectual disability, autosomal recessive 53. Last evaluated: 2024-05-15. Review status: criteria provided, single submitter. Criteria: Invitae Variant Classification Sherloc (09022015). Collection method: clinical testing. Allele origin: germline.
Comment: This sequence change replaces leucine, which is neutral and non-polar, with phenylalanine, which is neutral and non-polar, at codon 646 of the PIGG protein (p.Leu646Phe). This variant is not present in population databases (gnomAD no frequency). This variant has not been reported in the literature in individuals affected with PIGG-related conditions. ClinVar contains an entry for this variant (Variation ID: 1000178). Advanced modeling of protein sequence and biophysical properties (such as structural, functional, and spatial information, amino acid conservation, physicochemical variation, residue mobility, and thermodynamic stability) performed at Invitae indicates that this missense variant is not expected to disrupt PIGG protein function with a negative predictive value of 80%. In summary, the available evidence is currently insufficient to determine the role of this variant in disease. Therefore, it has been classified as a Variant of Uncertain Significance.